The following is an entry in ClinVar:

ClinVar aggregate classification (germline): Uncertain significance. Review status: criteria provided, single submitter (1 of 4 stars). 2 submissions from 2 submitters: Uncertain significance (1). 1 of the submissions does not count toward it. Last evaluated 2018-08-10.

Conditions:
Becker muscular dystrophy (BMD). Also called: MUSCULAR DYSTROPHY, PSEUDOHYPERTROPHIC PROGRESSIVE, BECKER TYPE; Becker Muscular Dystrophy (BMD). Identifiers: Orphanet 98895, MedGen C0917713, MONDO:0010311, OMIM 300376.
Cardiomyopathy (CMYO). Also called: Cardiomyopathies. Identifiers: Orphanet 167848, MedGen C0878544, MONDO:0004994, HP:0001638. Inheritance: Various modes of inheritance.
Duchenne muscular dystrophy (DMD). Also called: MUSCULAR DYSTROPHY, PSEUDOHYPERTROPHIC PROGRESSIVE, DUCHENNE TYPE; Duchenne Muscular Dystrophy (DMD). Identifiers: Orphanet 98896, MedGen C0013264, MONDO:0010679, OMIM 310200.
Dystrophin deficiency.

Submissions (2):

GeneDx
Classification: Uncertain significance. Last evaluated: 2018-08-10. Review status: criteria provided, single submitter. Criteria: GeneDx Variant Classification (06012015). Collection method: clinical testing. Allele origin: germline. Affected: yes.
Comment: A variant of uncertain significance has been identified in the DMD gene. The I585V variant has not been published as pathogenic or been reported as benign to our knowledge. I585V is not observed in large population cohorts (Lek et al., 2016). Nevertheless, the I585V variant is a conservative amino acid substitution, which is not likely to impact secondary protein structure as these residues share similar properties. Additionally, in-silico analyses, including protein predictors and evolutionary conservation, support that this variant does not alter protein structure/function.

Natera, Inc.
Classification: Uncertain significance for Becker muscular dystrophy; Cardiomyopathy; Duchenne muscular dystrophy; Dystrophin deficiency. Last evaluated: 2020-08-19. Review status: no assertion criteria provided. Collection method: clinical testing. Allele origin: germline. Not counted in ClinVar's aggregate classification.

NM_004006.3(DMD):c.1753A>G (p.Ile585Val)

Gene: DMD (dystrophin; minus strand). Cytogenetic location: Xp21.1.
Variant type: single nucleotide variant.
Coding change: c.1753A>G on transcript NM_004006.3 (MANE Select); coding-DNA position 1753, A replaced by G.
Protein change: p.Ile585Val; replaces isoleucine 585 with valine.
Molecular consequence: missense variant.
Genome position (GRCh38, 1-based): chrX:32,573,589, T>C on the plus strand (A>G on the coding strand, the complement: DMD is on the minus strand). VCF-style: chrX-32573589-T-C. GRCh37 (hg19) VCF-style: chrX-32591706-T-C.
Other names: c.1729A>G, p.Ile577Val (NM_000109.4); c.1741A>G, p.Ile581Val (NM_004009.3); c.1384A>G, p.Ile462Val (NM_004010.3); short protein forms I585V, I581V, I462V, I577V.
Identifiers: ClinVar variation 426523 (VCV000426523.3), dbSNP rs1085307667, ClinGen allele CA412673195.